The following is an entry in ClinVar:

ClinVar aggregate classification (germline): Likely pathogenic (1 of 4 stars; one submission).

Submission:

Clinical Genomics Laboratory, Laboratory for Precision Diagnostics, University of Washington
Classification: Likely pathogenic. Last evaluated: 2017-06-14. Review status: criteria provided, single submitter. Criteria: Clinical Cytogenomics Laboratory Policy on CNV Interpretation. Collection method: clinical testing. Allele origin: unknown. Affected: yes. Observed: 1 variant allele.

Literature cited by the submitters: PubMed 22317977; PubMed 25217958.

GRCh37/hg19 1q21.1(chr1:145416056-146089268)x3

Genes: ANKRD34A (ankyrin repeat domain 34A; minus strand), ANKRD35 (ankyrin repeat domain 35; minus strand), CD160 (CD160 molecule; plus strand), GPR89A (G protein-coupled receptor 89A; plus strand), HJV (hemojuvelin BMP co-receptor; minus strand) and 12 more. Cytogenetic location: 1q21.1.
Variant type: copy number gain.
Change: copy number 3 (three copies instead of two) of chr1:145,416,056-146,089,268 (673.2 kb, GRCh37 coordinates, 1-based), cytogenetic band 1q21.1.
Identifiers: ClinVar variation 446354 (VCV000446354.4).